The following is an entry in ClinVar:

ClinVar aggregate classification (germline): Likely benign. Review status: criteria provided, multiple submitters, no conflicts (2 of 4 stars). 3 submissions from 3 submitters: Likely benign (3). Last evaluated 2025-11-23.

Conditions:
Hereditary cancer-predisposing syndrome. Also called: Neoplastic Syndromes, Hereditary; Hereditary Cancer Syndrome; Tumor predisposition; Hereditary neoplastic syndrome. Identifiers: Orphanet 140162, MedGen C0027672, MeSH D009386, MONDO:0015356.
Familial cancer of breast. Also called: Hereditary breast cancer; BREAST CANCER, FAMILIAL; hereditary breast carcinoma. Identifiers: Orphanet 227535, MedGen C0346153, MONDO:0016419, OMIM 114480. Disease mechanism: loss of function.
Ataxia-telangiectasia syndrome (AT). Also called: LOUIS-BAR SYNDROME; Cerebello-oculocutaneous telangiectasia; Immunodeficiency with ataxia telangiectasia; Ataxia-telangiectasia, complementation group D; AT, COMPLEMENTATION GROUP C; Ataxia-telangiectasia, complementation group E. Identifiers: Orphanet 100, MedGen C0004135, MONDO:0008840, OMIM 208900.

Allele frequency attached by ClinVar (database versions not stated): TOPMed below 0.00001; gnomAD 0.00001; gnomAD exomes below 0.00001.
gnomAD v4.1: 9 of 1,574,588 alleles (0.00057%); highest among the groups gnomAD compares: Admixed American, 0.0017%; no homozygotes.

Submissions (3):

Labcorp Genetics (formerly Invitae), Labcorp
Classification: Likely benign for Ataxia-telangiectasia syndrome. Last evaluated: 2025-11-23. Review status: criteria provided, single submitter. Criteria: Invitae Variant Classification Sherloc (09022015). Collection method: clinical testing. Allele origin: germline.

Myriad Genetics, Inc.
Classification: Likely benign for Familial cancer of breast. Last evaluated: 2024-06-10. Review status: criteria provided, single submitter. Criteria: Myriad Autosomal Dominant, Autosomal Recessive and X-Linked Classification Criteria (2023). Collection method: clinical testing. Allele origin: unknown.
Comment: This variant is considered likely benign. This variant is intronic and is not expected to impact mRNA splicing.

Color Diagnostics, LLC DBA Color Health
Classification: Likely benign for Hereditary cancer-predisposing syndrome. Last evaluated: 2016-11-22. Review status: criteria provided, single submitter. Criteria: ACMG Guidelines, 2015. Collection method: clinical testing. Allele origin: germline.

NM_000051.4(ATM):c.6807+10A>G

Genes: ATM (ATM serine/threonine kinase; plus strand), C11orf65 (chromosome 11 open reading frame 65; minus strand). Cytogenetic location: 11q22.3.
Variant type: single nucleotide variant.
Coding change: c.6807+10A>G on transcript NM_000051.4 (MANE Select); 10 bases into the intron after coding-DNA position 6807, A replaced by G.
Molecular consequence: intron variant.
Genome position (GRCh38, 1-based): chr11:108,325,554, A>G. VCF-style: chr11-108325554-A-G. GRCh37 (hg19) VCF-style: chr11-108196281-A-G.
Other names: c.6807+10A>G (NM_001351834.2); c.641-16483T>C (NM_001330368.2); c.*38+9666T>C (NM_001351110.2).
Identifiers: ClinVar variation 414615 (VCV000414615.15), dbSNP rs924117395, ClinGen allele CA16613109.